The following is an entry in ClinVar:

NM_001048174.2(MUTYH):c.885_886insCGGAGCCTG (p.Leu295_Ser296insArgSerLeu)

Gene: MUTYH (mutY DNA glycosylase; minus strand). Cytogenetic location: 1p34.1.
Variant type: Insertion.
Coding change: c.885_886insCGGAGCCTG on transcript NM_001048174.2 (MANE Select); coding-DNA positions 885 to 886, CGGAGCCTG inserted.
Protein change: p.Leu295_Ser296insArgSerLeu.
Molecular consequence: inframe insertion. On other transcripts: inframe indel (20), non-coding transcript variant (2).
Genome position: GRCh38 VCF-style: chr1-45332050-A-ACAGGCTCCG. GRCh37 (hg19) VCF-style: chr1-45797722-A-ACAGGCTCCG.
Other names: c.885_886insCGGAGCCTG, p.Leu295_Ser296insArgSerLeu (NM_001048171.2, NM_001048173.2, NM_001293195.2); c.888_889insCGGAGCCTG, p.Leu296_Ser297insArgSerLeu (NM_001048172.2); c.969_970insCGGAGCCTG, p.Leu323_Ser324insArgSerLeu (NM_001128425.2); c.930_931insCGGAGCCTG, p.Leu310_Ser311insArgSerLeu (NM_001293190.2); c.918_919insCGGAGCCTG, p.Leu306_Ser307insArgSerLeu (NM_001293191.2); c.609_610insCGGAGCCTG, p.Leu203_Ser204insArgSerLeu (NM_001293192.2, NM_001293196.2); c.540_541insCGGAGCCTG, p.Leu180_Ser181insArgSerLeu (NM_001350650.2, NM_001350651.2); c.910_911insGGAGCCTGC, p.Leu306_Ser307insArgSerLeu (NM_001407069.1, NM_001407077.1); and 11 more.
Identifiers: ClinVar variation 1767803 (VCV001767803.2), dbSNP rs2524051978, ClinGen allele CA2580063043.

ClinVar aggregate classification (germline): Uncertain significance (1 of 4 stars; one submission).

Conditions:
Hereditary cancer-predisposing syndrome. Also called: Hereditary Cancer Syndrome; Hereditary neoplastic syndrome; Neoplastic Syndromes, Hereditary; Tumor predisposition. Identifiers: Orphanet 140162, MedGen C0027672, MeSH D009386, MONDO:0015356.

Submission:

Ambry Genetics
Classification: Uncertain significance for Hereditary cancer-predisposing syndrome. Last evaluated: 2021-01-13. Review status: criteria provided, single submitter. Criteria: Ambry Variant Classification Scheme 2023. Collection method: clinical testing. Allele origin: germline.
Comment: The c.969_970insCGGAGCCTG variant (also known as p.L323_S324insRSL), located in coding exon 11 of the MUTYH gene, results from an in-frame CGGAGCCTG insertion at nucleotide positions 969 to 970. This results in the insertion of three residues (RSL) between codons 323 and 324. This amino acid region is not well conserved in available vertebrate species. In addition, this alteration is predicted to be neutral by in silico analysis (Choi Y et al. PLoS ONE. 2012; 7(10):e46688). Since supporting evidence is limited at this time, the clinical significance of this alteration remains unclear.